The following is an entry in ClinVar:

NM_000143.4(FH):c.4T>A (p.Tyr2Asn)

Gene: FH (fumarate hydratase; minus strand). Cytogenetic location: 1q43.
Variant type: single nucleotide variant.
Coding change: c.4T>A on transcript NM_000143.4 (MANE Select); coding-DNA position 4, T replaced by A.
Protein change: p.Tyr2Asn; replaces tyrosine 2 with asparagine.
Molecular consequence: missense variant.
Genome position (GRCh38, 1-based): chr1:241,519,719, A>T on the plus strand (T>A on the coding strand, the complement: FH is on the minus strand). VCF-style: chr1-241519719-A-T. GRCh37 (hg19) VCF-style: chr1-241683019-A-T.
Other names: c.4T>A (NM_000143.3); short protein forms Y2N.
Identifiers: ClinVar variation 1035360 (VCV001035360.11), dbSNP rs112335468, ClinGen allele CA345443117.
Genomic context (GRCh38, chr1:241,519,719, plus strand): 5'-AGGCTGCGGCTGGAGCCCGCACGAGGGGACGCGAGCGCGCGAGGAGCCGAAGTGCTCGGT[A>T]CATGGTGCTGAGGGAGCTTGGGTAGAATTTCTGGGCGGCTGTGGCCACGCCTCCACGCCG-3'
Protein context (NP_000134.2, residues 1-12): M[Tyr2Asn]RALRLLARSR

ClinVar aggregate classification (germline): Uncertain significance. Review status: criteria provided, multiple submitters, no conflicts (2 of 4 stars). 2 submissions from 2 submitters: Uncertain significance (2). Last evaluated 2026-01-05.

Conditions:
Hereditary cancer-predisposing syndrome. Also called: Hereditary neoplastic syndrome; Neoplastic Syndromes, Hereditary; Tumor predisposition; Hereditary Cancer Syndrome. Identifiers: Orphanet 140162, MedGen C0027672, MeSH D009386, MONDO:0015356.

gnomAD v4.1: 1 of 1,543,388 alleles (0.000065%); highest among the groups gnomAD compares: Non-Finnish European, 0.000087%; no homozygotes.

Submissions (2):

Labcorp Genetics (formerly Invitae), Labcorp
Classification: Uncertain significance. Last evaluated: 2026-01-05. Review status: criteria provided, single submitter. Criteria: Invitae Variant Classification Sherloc (09022015). Collection method: clinical testing. Allele origin: germline.
Comment: This sequence change replaces tyrosine, which is neutral and polar, with asparagine, which is neutral and polar, at codon 2 of the FH protein (p.Tyr2Asn). This variant is not present in population databases (gnomAD no frequency). This variant has not been reported in the literature in individuals affected with FH-related conditions. ClinVar contains an entry for this variant (Variation ID: 1035360). Invitae Evidence Modeling of protein sequence and biophysical properties (such as structural, functional, and spatial information, amino acid conservation, physicochemical variation, residue mobility, and thermodynamic stability) indicates that this missense variant is not expected to disrupt FH protein function with a negative predictive value of 95%. In summary, the available evidence is currently insufficient to determine the role of this variant in disease. Therefore, it has been classified as a Variant of Uncertain Significance.

Ambry Genetics
Classification: Uncertain significance for Hereditary cancer-predisposing syndrome. Last evaluated: 2024-07-27. Review status: criteria provided, single submitter. Criteria: Ambry Variant Classification Scheme 2023. Collection method: clinical testing. Allele origin: germline.
Comment: The p.Y2N variant (also known as c.4T>A), located in coding exon 1 of the FH gene, results from a T to A substitution at nucleotide position 4. The tyrosine at codon 2 is replaced by asparagine, an amino acid with dissimilar properties. This amino acid position is conserved. In addition, the in silico prediction for this alteration is inconclusive. Based on the available evidence, the clinical significance of this variant remains unclear.